The following is an entry in ClinVar:

NM_001195263.2(PDZD7):c.874G>A (p.Gly292Ser)

Gene: PDZD7 (PDZ domain containing 7; minus strand). Cytogenetic location: 10q24.31.
Variant type: single nucleotide variant.
Coding change: c.874G>A on transcript NM_001195263.2 (MANE Select); coding-DNA position 874, G replaced by A.
Protein change: p.Gly292Ser; replaces glycine 292 with serine.
Molecular consequence: missense variant.
Genome position (GRCh38, 1-based): chr10:101,020,672, C>T on the plus strand (G>A on the coding strand, the complement: PDZD7 is on the minus strand). VCF-style: chr10-101020672-C-T. GRCh37 (hg19) VCF-style: chr10-102780429-C-T.
Other names: c.874G>A, p.Gly292Ser (NM_001351044.2, NM_024895.5); short protein forms G292S.
Identifiers: ClinVar variation 929918 (VCV000929918.17), dbSNP rs765091855, ClinGen allele CA5654213.

ClinVar aggregate classification (germline): Uncertain significance. Review status: criteria provided, multiple submitters, no conflicts (2 of 4 stars). 7 submissions from 7 submitters: Uncertain significance (7). Last evaluated 2026-08-05.

Conditions:
Inborn genetic diseases. Identifiers: MedGen C0950123, MeSH D030342.
PDZD7-related disorder. Also called: PDZD7-related disorders; PDZD7-related condition.

Allele frequency attached by ClinVar (database versions not stated): TOPMed 0.00005; ExAC 0.00007; gnomAD 0.00009 and 0.00011.
gnomAD v4.1: 99 of 1,613,614 alleles (0.0061%); highest among the groups gnomAD compares: South Asian, 0.038%; no homozygotes.

Submissions (7):

PreventionGenetics, part of Exact Sciences
Classification: Uncertain significance for PDZD7-related condition. Last evaluated: 2026-08-05. Review status: criteria provided, single submitter. Criteria: ACMG Guidelines, 2015. Collection method: clinical testing. Allele origin: germline.
Comment: The PDZD7 c.874G>A variant is predicted to result in the amino acid substitution p.Gly292Ser. To our knowledge, this variant has not been reported in the literature. This variant is reported in 0.036% of alleles in individuals of South Asian descent in gnomAD. At this time, the clinical significance of this variant is uncertain due to the absence of conclusive functional and genetic evidence.

Labcorp Genetics (formerly Invitae), Labcorp
Classification: Uncertain significance. Last evaluated: 2025-01-06. Review status: criteria provided, single submitter. Criteria: Invitae Variant Classification Sherloc (09022015). Collection method: clinical testing. Allele origin: germline.
Comment: This sequence change replaces glycine, which is neutral and non-polar, with serine, which is neutral and polar, at codon 292 of the PDZD7 protein (p.Gly292Ser). This variant is present in population databases (rs765091855, gnomAD 0.04%). This variant has not been reported in the literature in individuals affected with PDZD7-related conditions. ClinVar contains an entry for this variant (Variation ID: 929918). Invitae Evidence Modeling of protein sequence and biophysical properties (such as structural, functional, and spatial information, amino acid conservation, physicochemical variation, residue mobility, and thermodynamic stability) has been performed for this missense variant. However, the output from this modeling did not meet the statistical confidence thresholds required to predict the impact of this variant on PDZD7 protein function. In summary, the available evidence is currently insufficient to determine the role of this variant in disease. Therefore, it has been classified as a Variant of Uncertain Significance.

Blueprint Genetics
Classification: Uncertain significance. Last evaluated: 2024-09-03. Review status: criteria provided, single submitter. Criteria: ACMG Guidelines, 2015. Collection method: clinical testing. Allele origin: germline.

GeneDx
Classification: Uncertain significance. Last evaluated: 2021-09-13. Review status: criteria provided, single submitter. Criteria: GeneDx Variant Classification Process June 2021. Collection method: clinical testing. Allele origin: germline. Affected: yes.
Comment: In silico analysis supports that this missense variant has a deleterious effect on protein structure/function; Has not been previously published as pathogenic or benign to our knowledge

Ambry Genetics
Classification: Uncertain significance for Inborn genetic diseases. Last evaluated: 2021-08-16. Review status: criteria provided, single submitter. Criteria: Ambry Variant Classification Scheme 2023. Collection method: clinical testing. Allele origin: germline.

Laboratory for Molecular Medicine, Mass General Brigham Personalized Medicine
Classification: Uncertain significance. Last evaluated: 2019-10-21. Review status: criteria provided, single submitter. Criteria: LMM Criteria. Collection method: clinical testing. Allele origin: germline. Observed: 1 variant allele.
Comment: The p.Gly292Ser variant in PDZD7 has not been previously reported in individuals with hearing loss but has been identified in 0.04% (11/30608) South Asian chromosomes by gnomAD. Computational prediction tools and conservation analyses do not provide strong support for or against an impact to the protein. In summary, the clinical significance of this variant is uncertain. ACMG/AMP Criteria applied: PM2_Supporting.

Breakthrough Genomics
Classification: Uncertain significance. Review status: criteria provided, single submitter. Criteria: ACMG Guidelines, 2015. Collection method: not provided. Allele origin: germline. Inheritance: Autosomal recessive inheritance. Affected: yes.